The following is an entry in ClinVar:

ClinVar aggregate classification (germline): Likely benign (1 of 4 stars; one submission).

gnomAD v4.1: 14 of 1,614,088 alleles (0.00087%); highest among the groups gnomAD compares: African/African-American, 0.0013%; no homozygotes.

Submission:

CeGaT Center for Human Genetics Tuebingen
Classification: Likely benign. Last evaluated: 2025-07-01. Review status: criteria provided, single submitter. Criteria: CeGaT Center For Human Genetics Tuebingen Variant Classification Criteria Version 2. Collection method: clinical testing. Allele origin: germline. Affected: yes. Observed: 1 variant allele.
Comment: LETM1: BP4

NM_012318.3(LETM1):c.305G>A (p.Cys102Tyr)

Gene: LETM1 (leucine zipper and EF-hand containing transmembrane protein 1; minus strand). Cytogenetic location: 4p16.3.
Variant type: single nucleotide variant.
Coding change: c.305G>A on transcript NM_012318.3 (MANE Select); coding-DNA position 305, G replaced by A.
Protein change: p.Cys102Tyr; replaces cysteine 102 with tyrosine.
Molecular consequence: missense variant.
Genome position (GRCh38, 1-based): chr4:1,841,636, C>T on the plus strand (G>A on the coding strand, the complement: LETM1 is on the minus strand). VCF-style: chr4-1841636-C-T. GRCh37 (hg19) VCF-style: chr4-1843363-C-T.
Other names: short protein forms C102Y.
Identifiers: ClinVar variation 4084508 (VCV004084508.8).